The following is an entry in ClinVar:

ClinVar aggregate classification (germline): Uncertain significance (1 of 4 stars; one submission).

Conditions:
Inborn genetic diseases. Identifiers: MedGen C0950123, MeSH D030342.

Allele frequency attached by ClinVar (database versions not stated): gnomAD exomes below 0.00001.
gnomAD v4.1: 1 of 1,581,560 alleles (0.000063%); highest among the groups gnomAD compares: Non-Finnish European, 0.000087%; no homozygotes.

Submission:

Ambry Genetics
Classification: Uncertain significance for Inborn genetic diseases. Last evaluated: 2021-09-14. Review status: criteria provided, single submitter. Criteria: Ambry Variant Classification Scheme 2023. Collection method: clinical testing. Allele origin: germline.
Comment: The c.1794+6T>A intronic alteration consists of a T to A substitution nucleotides after coding exon 14 in the SUZ12 gene. Based on insufficient or conflicting evidence, the clinical significance of this alteration remains unclear.

NM_015355.4(SUZ12):c.1794+6T>A

Gene: SUZ12 (SUZ12 polycomb repressive complex 2 subunit; plus strand). Cytogenetic location: 17q11.2.
Variant type: single nucleotide variant.
Coding change: c.1794+6T>A on transcript NM_015355.4 (MANE Select); 6 bases into the intron after coding-DNA position 1794, T replaced by A.
Molecular consequence: intron variant.
Genome position (GRCh38, 1-based): chr17:31,995,768, T>A. VCF-style: chr17-31995768-T-A. GRCh37 (hg19) VCF-style: chr17-30322787-T-A.
Other names: c.1725+6T>A (NM_001321207.2).
Identifiers: ClinVar variation 2239907 (VCV002239907.2), dbSNP rs2508685329, ClinGen allele CA2580093080.